The following is an entry in ClinVar:

ClinVar aggregate classification (germline): Benign/Likely benign. Review status: criteria provided, multiple submitters, no conflicts (2 of 4 stars). 3 submissions from 3 submitters: Benign (1); Likely benign (2). Last evaluated 2025-12-15.

Conditions:
GPR179-related disorder. Also called: GPR179-related condition.

Allele frequency attached by ClinVar (database versions not stated): ESP Exome Variant Server 0.00008; gnomAD exomes 0.00008 and 0.00020; gnomAD 0.00009 and 0.00013; 1000 Genomes Project 30x 0.00016; TOPMed 0.00017; 1000 Genomes Project 0.00020; ExAC 0.00024.

Submissions (3):

Labcorp Genetics (formerly Invitae), Labcorp
Classification: Benign. Last evaluated: 2025-12-15. Review status: criteria provided, single submitter. Criteria: Invitae Variant Classification Sherloc (09022015). Collection method: clinical testing. Allele origin: germline.

PreventionGenetics, part of Exact Sciences
Classification: Likely benign for GPR179-related condition. Last evaluated: 2025-04-25. Review status: criteria provided, single submitter. Criteria: ACMG Guidelines, 2015. Collection method: clinical testing. Allele origin: germline.
Comment: This variant is classified as likely benign based on ACMG/AMP sequence variant interpretation guidelines (Richards et al. 2015 PMID: 25741868, with internal and published modifications).

Blueprint Genetics
Classification: Likely benign. Last evaluated: 2024-09-09. Review status: criteria provided, single submitter. Criteria: ACMG Guidelines, 2015. Collection method: clinical testing. Allele origin: germline.

NM_001004334.4(GPR179):c.1021G>A (p.Gly341Arg)

Gene: GPR179 (G protein-coupled receptor 179; minus strand). Cytogenetic location: 17q12.
Variant type: single nucleotide variant.
Coding change: c.1021G>A on transcript NM_001004334.4 (MANE Select); coding-DNA position 1021, G replaced by A.
Protein change: p.Gly341Arg; replaces glycine 341 with arginine.
Molecular consequence: missense variant.
Genome position (GRCh38, 1-based): chr17:38,337,184, C>T on the plus strand (G>A on the coding strand, the complement: GPR179 is on the minus strand). VCF-style: chr17-38337184-C-T. GRCh37 (hg19) VCF-style: chr17-36493067-C-T.
Other names: c.1021G>A (NM_001004334.3); short protein forms G341R.
Identifiers: ClinVar variation 1601447 (VCV001601447.10), dbSNP rs200073926, ClinGen allele CA290109442.